The following is an entry in ClinVar:

ClinVar aggregate classification (germline): Uncertain significance. Review status: criteria provided, multiple submitters, no conflicts (2 of 4 stars). 2 submissions from 2 submitters: Uncertain significance (2). Last evaluated 2025-12-08.

Conditions:
Inborn genetic diseases. Identifiers: MedGen C0950123, MeSH D030342.

Allele frequency attached by ClinVar (database versions not stated): gnomAD exomes 0.00001 and 0.00002; TOPMed 0.00005; ExAC 0.00003; gnomAD 0.00004.
gnomAD v4.1: 21 of 1,613,926 alleles (0.0013%); highest among the groups gnomAD compares: African/African-American, 0.011%; no homozygotes.

Submissions (2):

Ambry Genetics
Classification: Uncertain significance for Inborn genetic diseases. Last evaluated: 2025-12-08. Review status: criteria provided, single submitter. Criteria: Ambry Variant Classification Scheme 2023. Collection method: clinical testing. Allele origin: germline.

Labcorp Genetics (formerly Invitae), Labcorp
Classification: Uncertain significance. Last evaluated: 2022-07-19. Review status: criteria provided, single submitter. Criteria: Invitae Variant Classification Sherloc (09022015). Collection method: clinical testing. Allele origin: germline.
Comment: This sequence change replaces arginine, which is basic and polar, with glutamine, which is neutral and polar, at codon 737 of the TTLL5 protein (p.Arg737Gln). This variant is present in population databases (rs762742540, gnomAD 0.02%). This variant has not been reported in the literature in individuals affected with TTLL5-related conditions. ClinVar contains an entry for this variant (Variation ID: 999209). Algorithms developed to predict the effect of missense changes on protein structure and function output the following: SIFT: "Tolerated"; PolyPhen-2: "Probably Damaging"; Align-GVGD: "Class C0". The glutamine amino acid residue is found in multiple mammalian species, which suggests that this missense change does not adversely affect protein function. In summary, the available evidence is currently insufficient to determine the role of this variant in disease. Therefore, it has been classified as a Variant of Uncertain Significance.

NM_015072.5(TTLL5):c.2210G>A (p.Arg737Gln)

Gene: TTLL5 (tubulin tyrosine ligase like 5; plus strand). Cytogenetic location: 14q24.3.
Variant type: single nucleotide variant.
Coding change: c.2210G>A on transcript NM_015072.5 (MANE Select); coding-DNA position 2210, G replaced by A.
Protein change: p.Arg737Gln; replaces arginine 737 with glutamine.
Molecular consequence: missense variant.
Genome position (GRCh38, 1-based): chr14:75,775,557, G>A. VCF-style: chr14-75775557-G-A. GRCh37 (hg19) VCF-style: chr14-76241900-G-A.
Other names: c.2210G>A (NM_015072.4); short protein forms R737Q.
Identifiers: ClinVar variation 999209 (VCV000999209.5), dbSNP rs762742540, ClinGen allele CA7279642.